The following is an entry in ClinVar:

ClinVar aggregate classification (germline): Uncertain significance (1 of 4 stars; one submission).

Submission:

Labcorp Genetics (formerly Invitae), Labcorp
Classification: Uncertain significance. Last evaluated: 2022-03-20. Review status: criteria provided, single submitter. Criteria: Invitae Variant Classification Sherloc (09022015). Collection method: clinical testing. Allele origin: germline.
Comment: Advanced modeling of protein sequence and biophysical properties (such as structural, functional, and spatial information, amino acid conservation, physicochemical variation, residue mobility, and thermodynamic stability) performed at Invitae indicates that this missense variant is expected to disrupt NDUFV1 protein function. In summary, the available evidence is currently insufficient to determine the role of this variant in disease. Therefore, it has been classified as a Variant of Uncertain Significance. This variant has not been reported in the literature in individuals affected with NDUFV1-related conditions. This variant is not present in population databases (gnomAD no frequency). This sequence change replaces cysteine, which is neutral and slightly polar, with phenylalanine, which is neutral and non-polar, at codon 238 of the NDUFV1 protein (p.Cys238Phe).

NM_007103.4(NDUFV1):c.713G>T (p.Cys238Phe)

Gene: NDUFV1 (NADH:ubiquinone oxidoreductase core subunit V1; plus strand). Cytogenetic location: 11q13.2.
Variant type: single nucleotide variant.
Coding change: c.713G>T on transcript NM_007103.4 (MANE Select); coding-DNA position 713, G replaced by T.
Protein change: p.Cys238Phe; replaces cysteine 238 with phenylalanine.
Molecular consequence: missense variant.
Genome position (GRCh38, 1-based): chr11:67,611,007, G>T. VCF-style: chr11-67611007-G-T. GRCh37 (hg19) VCF-style: chr11-67378478-G-T.
Other names: c.686G>T, p.Cys229Phe (NM_001166102.2); short protein forms C229F, C238F.
Identifiers: ClinVar variation 1957247 (VCV001957247.5), dbSNP rs2495722444, ClinGen allele CA381537916.